The following is an entry in ClinVar:

NM_033310.3(KCNK4):c.476A>T (p.Lys159Met)

Genes: KCNK4 (potassium two pore domain channel subfamily K member 4; plus strand), KCNK4-CATSPERZ (KCNK4-CATSPERZ readthrough (NMD candidate); plus strand). Cytogenetic location: 11q13.1.
Variant type: single nucleotide variant.
Coding change: c.476A>T on transcript NM_033310.3 (MANE Select); coding-DNA position 476, A replaced by T.
Protein change: p.Lys159Met; replaces lysine 159 with methionine.
Molecular consequence: missense variant. On other transcripts: non-coding transcript variant (1).
Genome position (GRCh38, 1-based): chr11:64,297,468, A>T. VCF-style: chr11-64297468-A-T. GRCh37 (hg19) VCF-style: chr11-64064940-A-T.
Other names: c.476A>T, p.Lys159Met (NM_001317090.2); short protein forms K159M.
Identifiers: ClinVar variation 3707576 (VCV003707576.2).

ClinVar aggregate classification (germline): Uncertain significance (1 of 4 stars; one submission).

Submission:

Labcorp Genetics (formerly Invitae), Labcorp
Classification: Uncertain significance. Last evaluated: 2024-08-28. Review status: criteria provided, single submitter. Criteria: Invitae Variant Classification Sherloc (09022015). Collection method: clinical testing. Allele origin: germline.
Comment: This sequence change replaces lysine, which is basic and polar, with methionine, which is neutral and non-polar, at codon 159 of the KCNK4 protein (p.Lys159Met). This variant is not present in population databases (gnomAD no frequency). This variant has not been reported in the literature in individuals affected with KCNK4-related conditions. An algorithm developed to predict the effect of missense changes on protein structure and function (PolyPhen-2) suggests that this variant is likely to be disruptive. In summary, the available evidence is currently insufficient to determine the role of this variant in disease. Therefore, it has been classified as a Variant of Uncertain Significance.